The following is an entry in ClinVar:

ClinVar aggregate classification (germline): Uncertain significance (1 of 4 stars; one submission).

Conditions:
Gastrointestinal stromal tumor. Also called: Gastrointestinal stromal tumor, somatic; Gastrointestinal stroma tumor. Identifiers: Orphanet 44890, MedGen C0238198, MeSH D046152, MONDO:0011719, OMIM 606764, HP:0100723.

Allele frequency attached by ClinVar (database versions not stated): TOPMed 0.00001.
gnomAD v4.1: 1 of 1,614,078 alleles (0.000062%); highest among the groups gnomAD compares: Non-Finnish European, 0.000085%; no homozygotes.

Submission:

Labcorp Genetics (formerly Invitae), Labcorp
Classification: Uncertain significance for Gastrointestinal stromal tumor. Last evaluated: 2020-07-07. Review status: criteria provided, single submitter. Criteria: Invitae Variant Classification Sherloc (09022015). Collection method: clinical testing. Allele origin: germline.
Comment: In summary, the available evidence is currently insufficient to determine the role of this variant in disease. Therefore, it has been classified as a Variant of Uncertain Significance. Algorithms developed to predict the effect of missense changes on protein structure and function (SIFT, PolyPhen-2, Align-GVGD) all suggest that this variant is likely to be tolerated, but these predictions have not been confirmed by published functional studies and their clinical significance is uncertain. This variant has not been reported in the literature in individuals with KIT-related conditions. This variant is not present in population databases (ExAC no frequency). This sequence change replaces threonine with lysine at codon 84 of the KIT protein (p.Thr84Lys). The threonine residue is moderately conserved and there is a moderate physicochemical difference between threonine and lysine.

NM_000222.3(KIT):c.251C>A (p.Thr84Lys)

Gene: KIT (KIT proto-oncogene, receptor tyrosine kinase; plus strand). Cytogenetic location: 4q12.
Variant type: single nucleotide variant.
Coding change: c.251C>A on transcript NM_000222.3 (MANE Select); coding-DNA position 251, C replaced by A.
Protein change: p.Thr84Lys; replaces threonine 84 with lysine.
Molecular consequence: missense variant.
Genome position (GRCh38, 1-based): chr4:54,695,695, C>A. VCF-style: chr4-54695695-C-A. GRCh37 (hg19) VCF-style: chr4-55561861-C-A.
Other names: c.251C>A, p.Thr84Lys (NM_001093772.2, NM_001385284.1, NM_001385285.1 and 4 more transcripts); short protein forms T84K.
Identifiers: ClinVar variation 1027329 (VCV001027329.9), dbSNP rs201872586, ClinGen allele CA356897169.